The following is an entry in ClinVar:

ClinVar aggregate classification (germline): Likely benign. Review status: criteria provided, multiple submitters, no conflicts (2 of 4 stars). 2 submissions from 2 submitters: Likely benign (2). Last evaluated 2025-04-08.

Conditions:
Tuberous sclerosis 1 (TSC1). Identifiers: Orphanet 805, MedGen C1854465, MONDO:0008612, OMIM 191100.

Submissions (2):

Myriad Genetics, Inc.
Classification: Likely benign for Tuberous sclerosis 1. Last evaluated: 2025-04-08. Review status: criteria provided, single submitter. Criteria: Myriad Autosomal Dominant, Autosomal Recessive and X-Linked Classification Criteria (2023). Collection method: clinical testing. Allele origin: unknown.
Comment: This variant is considered likely benign. This variant is intronic and is not expected to impact mRNA splicing.

Labcorp Genetics (formerly Invitae), Labcorp
Classification: Likely benign for Tuberous sclerosis 1. Last evaluated: 2021-12-20. Review status: criteria provided, single submitter. Criteria: Invitae Variant Classification Sherloc (09022015). Collection method: clinical testing. Allele origin: germline.

NM_000368.5(TSC1):c.738-11G>A

Gene: TSC1 (TSC complex subunit 1; minus strand). Cytogenetic location: 9q34.13.
Variant type: single nucleotide variant.
Coding change: c.738-11G>A on transcript NM_000368.5 (MANE Select); 11 bases into the intron before coding-DNA position 738, G replaced by A.
Molecular consequence: intron variant.
Genome position (GRCh38, 1-based): chr9:132,912,468, C>T on the plus strand (G>A on the coding strand, the complement: TSC1 is on the minus strand). VCF-style: chr9-132912468-C-T. GRCh37 (hg19) VCF-style: chr9-135787855-C-T.
Other names: c.375-11G>A (NM_001362177.2); c.585-11G>A (NM_001162427.2); c.738-11G>A (NM_001162426.2).
Identifiers: ClinVar variation 1617229 (VCV001617229.9), dbSNP rs2132007936, ClinGen allele CA2573144277.